The following is an entry in ClinVar:

NM_000051.4(ATM):c.5683C>G (p.His1895Asp)

Gene: ATM (ATM serine/threonine kinase; plus strand). Cytogenetic location: 11q22.3.
Variant type: single nucleotide variant.
Coding change: c.5683C>G on transcript NM_000051.4 (MANE Select); coding-DNA position 5683, C replaced by G.
Protein change: p.His1895Asp; replaces histidine 1895 with aspartic acid.
Molecular consequence: missense variant.
Genome position (GRCh38, 1-based): chr11:108,307,905, C>G. VCF-style: chr11-108307905-C-G. GRCh37 (hg19) VCF-style: chr11-108178632-C-G.
Other names: c.5683C>G, p.His1895Asp (NM_001351834.2); short protein forms H1895D.
Identifiers: ClinVar variation 407632 (VCV000407632.10), dbSNP rs766901049, ClinGen allele CA16613451.
Genomic context (GRCh38, chr11:108,307,905, plus strand): 5'-GGTGTGTAAGCAAGAATGCCTGGGACTGAGGGGAGATATTTTTGTTTGTCAGAGTCAGAG[C>G]ACTTTTTCCGATGCTGTTTGGATAAAAAATCACAAAGAACAATGCTTGCTGTTGTGGACT-3'
Protein context (NP_000042.3, residues 1885-1905): TPANLDSESE[His1895Asp]FFRCCLDKKS

ClinVar aggregate classification (germline): Uncertain significance. Review status: criteria provided, multiple submitters, no conflicts (2 of 4 stars). 2 submissions from 2 submitters: Uncertain significance (2). Last evaluated 2025-03-22.

Conditions:
Ataxia-telangiectasia syndrome (AT). Also called: Ataxia telangiectasia (A-T); LOUIS-BAR SYNDROME; Cerebello-oculocutaneous telangiectasia; Immunodeficiency with ataxia telangiectasia; Ataxia-telangiectasia, complementation group D; AT, COMPLEMENTATION GROUP C. Identifiers: Orphanet 100, MedGen C0004135, MONDO:0008840, OMIM 208900.
Hereditary cancer-predisposing syndrome. Also called: Hereditary neoplastic syndrome; Neoplastic Syndromes, Hereditary; Tumor predisposition; Hereditary Cancer Syndrome. Identifiers: Orphanet 140162, MedGen C0027672, MeSH D009386, MONDO:0015356.

Submissions (2):

Ambry Genetics
Classification: Uncertain significance for Hereditary cancer-predisposing syndrome. Last evaluated: 2025-03-22. Review status: criteria provided, single submitter. Criteria: Ambry Variant Classification Scheme 2023. Collection method: clinical testing. Allele origin: germline.
Comment: The p.H1895D variant (also known as c.5683C>G), located in coding exon 37 of the ATM gene, results from a C to G substitution at nucleotide position 5683. The histidine at codon 1895 is replaced by aspartic acid, an amino acid with similar properties. This amino acid position is conserved. In addition, this alteration is predicted to be tolerated by in silico analysis. Based on the available evidence, the clinical significance of this variant remains unclear.

Labcorp Genetics (formerly Invitae), Labcorp
Classification: Uncertain significance for Ataxia-telangiectasia syndrome. Last evaluated: 2024-07-16. Review status: criteria provided, single submitter. Criteria: Invitae Variant Classification Sherloc (09022015). Collection method: clinical testing. Allele origin: germline.
Comment: This sequence change replaces histidine, which is basic and polar, with aspartic acid, which is acidic and polar, at codon 1895 of the ATM protein (p.His1895Asp). This variant is not present in population databases (gnomAD no frequency). This variant has not been reported in the literature in individuals affected with ATM-related conditions. ClinVar contains an entry for this variant (Variation ID: 407632). An algorithm developed to predict the effect of missense changes on protein structure and function (PolyPhen-2) suggests that this variant is likely to be tolerated. In summary, the available evidence is currently insufficient to determine the role of this variant in disease. Therefore, it has been classified as a Variant of Uncertain Significance.